The following is an entry in ClinVar:

ClinVar aggregate classification (germline): Pathogenic. Review status: criteria provided, multiple submitters, no conflicts (2 of 4 stars). 2 submissions from 2 submitters: Pathogenic (2). Last evaluated 2025-03-17.

Conditions:
Visceral myopathy 1 (VSCM1). Also called: Visceral myopathy; Infantile visceral myopathy; ACTG2 Visceral Myopathy. Identifiers: Orphanet 2604, MedGen C5542197, MONDO:0020754, OMIM 155310.

Allele frequency attached by ClinVar (database versions not stated): gnomAD exomes below 0.00001.

Submissions (2):

Labcorp Genetics (formerly Invitae), Labcorp
Classification: Pathogenic. Last evaluated: 2025-03-17. Review status: criteria provided, single submitter. Criteria: Invitae Variant Classification Sherloc (09022015). Collection method: clinical testing. Allele origin: germline.
Comment: This sequence change replaces alanine, which is neutral and non-polar, with threonine, which is neutral and polar, at codon 205 of the ACTG2 protein (p.Ala205Thr). This variant also falls at the last nucleotide of exon 6, which is part of the consensus splice site for this exon. This variant is not present in population databases (gnomAD no frequency). This missense change has been observed in individual(s) with clinical features of microcolon-megacystic syndrome (PMID: 26938784; internal data). In at least one individual the variant was observed to be de novo. ClinVar contains an entry for this variant (Variation ID: 369682). An algorithm developed to predict the effect of missense changes on protein structure and function (PolyPhen-2) suggests that this variant is likely to be disruptive. Variants that disrupt the consensus splice site are a relatively common cause of aberrant splicing (PMID: 17576681, 9536098). Algorithms developed to predict the effect of sequence changes on RNA splicing suggest that this variant may disrupt the consensus splice site. For these reasons, this variant has been classified as Pathogenic.

Victorian Clinical Genetics Services, Murdoch Childrens Research Institute
Classification: Pathogenic for Visceral myopathy 1. Last evaluated: 2015-08-21. Review status: criteria provided, single submitter. Criteria: ACMG Guidelines, 2015. Collection method: clinical testing. Allele origin: de novo. Inheritance: Autosomal dominant inheritance. Affected: yes. Observed: 1 variant allele.
Comment: This substitution is predicted to create a change of an alanine to a threonine at position 205, NP_001606.1(ACTG2): p.(Ala205Thr). This nucleotide is the last nucleotide of exon 6, and in-silico programs predict this variant to be disease-causing. This amino acid is highly conserved, and the amino acid substitution is moderate in terms of physical properties. Grantham assessment is deleterious. This varaint is not present in disease or population databases.

Literature cited by the submitters: PubMed 26938784 (cited by Labcorp Genetics (formerly Invitae), Labcorp and Victorian Clinical Genetics Services, Murdoch Childrens Research Institute); PubMed 17576681 (cited by Labcorp Genetics (formerly Invitae), Labcorp); PubMed 9536098 (cited by Labcorp Genetics (formerly Invitae), Labcorp).

NM_001615.4(ACTG2):c.613G>A (p.Ala205Thr)

Gene: ACTG2 (actin gamma 2, smooth muscle; plus strand). Cytogenetic location: 2p13.1.
Variant type: single nucleotide variant.
Coding change: c.613G>A on transcript NM_001615.4 (MANE Select); coding-DNA position 613, G replaced by A.
Protein change: p.Ala205Thr; replaces alanine 205 with threonine.
Molecular consequence: missense variant.
Genome position (GRCh38, 1-based): chr2:73,913,646, G>A. VCF-style: chr2-73913646-G-A. GRCh37 (hg19) VCF-style: chr2-74140773-G-A.
Other names: c.484G>A, p.Ala162Thr (NM_001199893.2); short protein forms A205T, A162T.
Identifiers: ClinVar variation 369682 (VCV000369682.4), dbSNP rs1057516046, ClinGen allele CA10654755.
Genomic context (GRCh38, chr2:73,913,646, plus strand): 5'-GACCTCACGGACTACCTCATGAAGATCCTCACAGAGAGAGGCTATTCCTTTGTGACCACA[G>A]GTATCCAGCCCCTTTTCTGATTCTGACTGGAGCTCAGAACCAATCTGGTTTAGGACAAGA-3'
Protein context (NP_001606.1, residues 195-215): TERGYSFVTT[Ala205Thr]EREIVRDIKE